The following is an entry in ClinVar:

NM_001286.5(CLCN6):c.213+6T>A

Gene: CLCN6 (chloride voltage-gated channel 6; plus strand). Cytogenetic location: 1p36.22.
Variant type: single nucleotide variant.
Coding change: c.213+6T>A on transcript NM_001286.5 (MANE Select); 6 bases into the intron after coding-DNA position 213, T replaced by A.
Molecular consequence: intron variant.
Genome position (GRCh38, 1-based): chr1:11,815,917, T>A. VCF-style: chr1-11815917-T-A. GRCh37 (hg19) VCF-style: chr1-11875974-T-A.
Other names: c.148-698T>A (NM_001256959.2).
Identifiers: ClinVar variation 4718782 (VCV004718782.1).

ClinVar aggregate classification (germline): Uncertain significance (1 of 4 stars; one submission).

Submission:

Labcorp Genetics (formerly Invitae), Labcorp
Classification: Uncertain significance. Last evaluated: 2025-05-01. Review status: criteria provided, single submitter. Criteria: Invitae Variant Classification Sherloc (09022015). Collection method: clinical testing. Allele origin: germline.
Comment: This sequence change falls in intron 3 of the CLCN6 gene. It does not directly change the encoded amino acid sequence of the CLCN6 protein. It affects a nucleotide within the consensus splice site. This variant is not present in population databases (gnomAD no frequency). This variant has not been reported in the literature in individuals affected with CLCN6-related conditions. Variants that disrupt the consensus splice site are a relatively common cause of aberrant splicing (PMID: 17576681, 9536098). Algorithms developed to predict the effect of sequence changes on RNA splicing suggest that this variant is not likely to affect RNA splicing. In summary, the available evidence is currently insufficient to determine the role of this variant in disease. Therefore, it has been classified as a Variant of Uncertain Significance.

Literature cited by the submitters: PubMed 17576681; PubMed 9536098.